The following is an entry in ClinVar:

NM_000257.4(MYH7):c.-24C>T

Gene: MYH7 (myosin heavy chain 7; minus strand). Cytogenetic location: 14q11.2.
Variant type: single nucleotide variant.
Coding change: c.-24C>T on transcript NM_000257.4 (MANE Select); 24 bases upstream of the start codon, C replaced by T.
Molecular consequence: 5 prime UTR variant.
Genome position (GRCh38, 1-based): chr14:23,434,209, G>A on the plus strand (C>T on the coding strand, the complement: MYH7 is on the minus strand). VCF-style: chr14-23434209-G-A. GRCh37 (hg19) VCF-style: chr14-23903418-G-A.
Other names: c.-24C>T (LRG_384t1).
Identifiers: ClinVar variation 386412 (VCV000386412.1), dbSNP rs1057522495, ClinGen allele CA16606965.
Genomic context (GRCh38, chr14:23,434,209, plus strand): 5'-CCAGTCTTACTAGATTTTCAACACTCTAGCTTCAGCTTTTCTTACCTGGGCTACTCAAGT[G>A]TGTCTACAGATGAGGAAAGGGGCCAAGGCCTGCAGGGGACCTGGAGAGAGGGAAGAGGCT-3'

ClinVar aggregate classification (germline): Likely benign (1 of 4 stars; one submission).

Allele frequency attached by ClinVar (database versions not stated): gnomAD exomes below 0.00001; gnomAD 0.00001; TOPMed 0.00001.
gnomAD v4.1: 4 of 1,054,220 alleles (0.00038%); highest among the groups gnomAD compares: Admixed American, 0.005%; no homozygotes.

Submission:

GeneDx
Classification: Likely benign. Last evaluated: 2016-05-19. Review status: criteria provided, single submitter. Criteria: GeneDx Variant Classification (06012015). Collection method: clinical testing. Allele origin: germline. Affected: yes.
Comment: This variant is considered likely benign or benign based on one or more of the following criteria: it is a conservative change, it occurs at a poorly conserved position in the protein, it is predicted to be benign by multiple in silico algorithms, and/or has population frequency not consistent with disease.